The following is an entry in ClinVar:

ClinVar aggregate classification (germline): Uncertain significance (1 of 4 stars; one submission).

Submission:

Labcorp Genetics (formerly Invitae), Labcorp
Classification: Uncertain significance. Last evaluated: 2025-01-22. Review status: criteria provided, single submitter. Criteria: Invitae Variant Classification Sherloc (09022015). Collection method: clinical testing. Allele origin: germline.
Comment: This sequence change falls in intron 9 of the CFI gene. It does not directly change the encoded amino acid sequence of the CFI protein. It affects a nucleotide within the consensus splice site. This variant is not present in population databases (gnomAD no frequency). This variant has not been reported in the literature in individuals affected with CFI-related conditions. Variants that disrupt the consensus splice site are a relatively common cause of aberrant splicing (PMID: 17576681, 9536098). Algorithms developed to predict the effect of sequence changes on RNA splicing suggest that this variant is not likely to affect RNA splicing. In summary, the available evidence is currently insufficient to determine the role of this variant in disease. Therefore, it has been classified as a Variant of Uncertain Significance.

Literature cited by the submitters: PubMed 17576681; PubMed 9536098.

NM_000204.5(CFI):c.1045-3C>T

Gene: CFI (complement factor I; minus strand). Cytogenetic location: 4q25.
Variant type: single nucleotide variant.
Coding change: c.1045-3C>T on transcript NM_000204.5 (MANE Select); 3 bases into the intron before coding-DNA position 1045, C replaced by T.
Molecular consequence: intron variant.
Genome position (GRCh38, 1-based): chr4:109,749,324, G>A on the plus strand (C>T on the coding strand, the complement: CFI is on the minus strand). VCF-style: chr4-109749324-G-A. GRCh37 (hg19) VCF-style: chr4-110670480-G-A.
Other names: c.1024-3C>T (NM_001375282.1, NM_001375280.1, NM_001331035.2); c.1045-3C>T (NM_001375281.1, NM_001375279.1); c.1069-3C>T (NM_001375278.1, NM_001318057.2); c.436-3C>T (NM_001375284.1); c.988-3C>T (NM_001375283.1).
Identifiers: ClinVar variation 3729394 (VCV003729394.2).